The following is an entry in ClinVar:

NM_002427.4(MMP13):c.224T>C (p.Phe75Ser)

Genes: MMP13 (matrix metallopeptidase 13; minus strand), LOC126861318 (BRD4-independent group 4 enhancer GRCh37_chr11:102825894-102827093; plus strand). Cytogenetic location: 11q22.2.
Variant type: single nucleotide variant.
Coding change: c.224T>C on transcript NM_002427.4 (MANE Select); coding-DNA position 224, T replaced by C.
Protein change: p.Phe75Ser; replaces phenylalanine 75 with serine.
Molecular consequence: missense variant.
Genome position (GRCh38, 1-based): chr11:102,955,390, A>G on the plus strand (T>C on the coding strand, the complement: MMP13 is on the minus strand). VCF-style: chr11-102955390-A-G. GRCh37 (hg19) VCF-style: chr11-102826119-A-G.
Other names: F56S; short protein forms F75S.
Identifiers: ClinVar variation 9443 (VCV000009443.7), dbSNP rs121909497, ClinGen allele CA120433.

ClinVar aggregate classification (germline): Pathogenic. Review status: criteria provided, single submitter (1 of 4 stars). 2 submissions from 2 submitters: Pathogenic (1). 1 of the submissions does not count toward it. Last evaluated 2022-10-27.

Conditions:
Spondyloepimetaphyseal dysplasia, Missouri type. Identifiers: Orphanet 1040, Orphanet 93356, MedGen C1865832, MONDO:0011198, OMIM 602111.

Submissions (2):

Labcorp Genetics (formerly Invitae), Labcorp
Classification: Pathogenic. Last evaluated: 2022-10-27. Review status: criteria provided, single submitter. Criteria: Invitae Variant Classification Sherloc (09022015). Collection method: clinical testing. Allele origin: germline.
Comment: Experimental studies have shown that this missense change affects MMP13 function (PMID: 16167086). For these reasons, this variant has been classified as Pathogenic. Advanced modeling of protein sequence and biophysical properties (such as structural, functional, and spatial information, amino acid conservation, physicochemical variation, residue mobility, and thermodynamic stability) performed at Invitae indicates that this missense variant is not expected to disrupt MMP13 protein function. ClinVar contains an entry for this variant (Variation ID: 9443). This variant is also known as F56S. This missense change has been observed in individual(s) with autosomal dominant spondyloepimetaphyseal dysplasia, Missouri type (PMID: 16167086). It has also been observed to segregate with disease in related individuals. This variant is not present in population databases (gnomAD no frequency). This sequence change replaces phenylalanine, which is neutral and non-polar, with serine, which is neutral and polar, at codon 75 of the MMP13 protein (p.Phe75Ser).

OMIM
Classification: Pathogenic for SPONDYLOEPIMETAPHYSEAL DYSPLASIA, MISSOURI TYPE (1 family). Last evaluated: 2005-10-01. Review status: no assertion criteria provided. Collection method: literature only. Allele origin: germline. Not counted in ClinVar's aggregate classification.

Literature cited by the submitters: PubMed 16167086 (cited by Labcorp Genetics (formerly Invitae), Labcorp and OMIM); PubMed 8412645 (cited by OMIM).